The following is an entry in ClinVar:

NM_005045.4(RELN):c.8335T>A (p.Ser2779Thr)

Genes: RELN (reelin; minus strand), SLC26A5-AS1 (SLC26A5 antisense RNA 1; plus strand). Cytogenetic location: 7q22.1.
Variant type: single nucleotide variant.
Coding change: c.8335T>A on transcript NM_005045.4 (MANE Select); coding-DNA position 8335, T replaced by A.
Protein change: p.Ser2779Thr; replaces serine 2779 with threonine.
Molecular consequence: missense variant.
Genome position (GRCh38, 1-based): chr7:103,503,170, A>T on the plus strand (T>A on the coding strand, the complement: RELN is on the minus strand). VCF-style: chr7-103503170-A-T. GRCh37 (hg19) VCF-style: chr7-103143617-A-T.
Other names: c.8335T>A, p.Ser2779Thr (NM_173054.3); short protein forms S2779T.
Identifiers: ClinVar variation 1019726 (VCV001019726.8), dbSNP rs1829091955, ClinGen allele CA368757621.

ClinVar aggregate classification (germline): Uncertain significance (1 of 4 stars; one submission).

Conditions:
Familial temporal lobe epilepsy 7. Identifiers: Orphanet 101046, MedGen C4225327, MONDO:0014639, OMIM 616436.
Norman-Roberts syndrome (LIS2). Also called: Lissencephaly 2 (Norman-Roberts type). Identifiers: Orphanet 89844, MedGen C0796089, MONDO:0009760, OMIM 257320.

Submission:

Labcorp Genetics (formerly Invitae), Labcorp
Classification: Uncertain significance for Familial temporal lobe epilepsy 7; Norman-Roberts syndrome. Last evaluated: 2022-07-05. Review status: criteria provided, single submitter. Criteria: Invitae Variant Classification Sherloc (09022015). Collection method: clinical testing. Allele origin: germline.
Comment: In summary, the available evidence is currently insufficient to determine the role of this variant in disease. Therefore, it has been classified as a Variant of Uncertain Significance. Algorithms developed to predict the effect of missense changes on protein structure and function are either unavailable or do not agree on the potential impact of this missense change (SIFT: "Deleterious"; PolyPhen-2: "Probably Damaging"; Align-GVGD: "Class C0"). ClinVar contains an entry for this variant (Variation ID: 1019726). This variant has not been reported in the literature in individuals affected with RELN-related conditions. This variant is not present in population databases (gnomAD no frequency). This sequence change replaces serine, which is neutral and polar, with threonine, which is neutral and polar, at codon 2779 of the RELN protein (p.Ser2779Thr).